The following is an entry in ClinVar:

NM_001190274.2(FBXO11):c.718-2A>G

Gene: FBXO11 (F-box protein 11; minus strand). Cytogenetic location: 2p16.3.
Variant type: single nucleotide variant.
Coding change: c.718-2A>G on transcript NM_001190274.2 (MANE Select); the canonical splice acceptor site of the intron before coding-DNA position 718, A replaced by G.
Molecular consequence: splice acceptor variant.
Genome position (GRCh38, 1-based): chr2:47,834,873, T>C on the plus strand (A>G on the coding strand, the complement: FBXO11 is on the minus strand). VCF-style: chr2-47834873-T-C. GRCh37 (hg19) VCF-style: chr2-48062012-T-C.
Other names: c.466-2A>G (NM_001374325.1, NM_025133.4).
Identifiers: ClinVar variation 4887020 (VCV004887020.1).

ClinVar aggregate classification (germline): Likely pathogenic (1 of 4 stars; one submission).

Conditions:
Intellectual developmental disorder with dysmorphic facies and behavioral abnormalities. Identifiers: MedGen C4748135, MONDO:0060760, OMIM 618089.

Submission:

MVZ Medizinische Genetik Mainz
Classification: Likely pathogenic for Intellectual developmental disorder with dysmorphic facies and behavioral abnormalities. Last evaluated: 2026-08-14. Review status: criteria provided, single submitter. Criteria: UK Practice Guidelines For Variant Classification V4 01 2020. Collection method: clinical testing. Allele origin: germline. Inheritance: Autosomal dominant inheritance. Affected: yes. Observed: 1 variant allele.
Comment: ACMG Criteria: PVS1,PM2_SUP